The following is an entry in ClinVar:

NM_007078.3(LDB3):c.491C>T (p.Pro164Leu)

Gene: LDB3 (LIM domain binding 3; plus strand). Cytogenetic location: 10q23.2.
Variant type: single nucleotide variant.
Coding change: c.491C>T on transcript NM_007078.3 (MANE Select); coding-DNA position 491, C replaced by T.
Protein change: p.Pro164Leu; replaces proline 164 with leucine.
Molecular consequence: missense variant. On other transcripts: intron variant (5).
Genome position (GRCh38, 1-based): chr10:86,681,605, C>T. VCF-style: chr10-86681605-C-T. GRCh37 (hg19) VCF-style: chr10-88441362-C-T.
Other names: c.491C>T, p.Pro164Leu (NM_001080115.2, NM_001171610.2, NM_001171611.2 and 3 more transcripts); c.321+1448C>T (NM_001368068.1, NM_001368066.1, NM_001080114.2 and 2 more transcripts); c.491C>T (NM_007078.2); short protein forms P164L.
Identifiers: ClinVar variation 1298346 (VCV001298346.11), dbSNP rs761907380, ClinGen allele CA5584716.

ClinVar aggregate classification (germline): Uncertain significance. Review status: criteria provided, multiple submitters, no conflicts (2 of 4 stars). 3 submissions from 3 submitters: Uncertain significance (3). Last evaluated 2025-09-27.

Conditions:
Cardiovascular phenotype. Identifiers: MedGen CN230736.
Dilated cardiomyopathy 1C (CMD1C). Also called: Cardiomyopathy, dilated, 1C, with or without LVNC; CARDIOMYOPATHY, DILATED, 1C, WITH OR WITHOUT LEFT VENTRICULAR NONCOMPACTION. Identifiers: Orphanet 154, Orphanet 54260, MedGen C1832244, MONDO:0011094, OMIM 601493.
Myofibrillar myopathy 4. Also called: Zaspopathy (type). Identifiers: Orphanet 98912, MedGen C4721886, MONDO:0012277, OMIM 609452.

Allele frequency attached by ClinVar (database versions not stated): TOPMed below 0.00001; ExAC 0.00002; gnomAD exomes 0.00001 and 0.00002.
gnomAD v4.1: 21 of 1,613,022 alleles (0.0013%); highest among the groups gnomAD compares: East Asian, 0.011%; no homozygotes.

Submissions (3):

Ambry Genetics
Classification: Uncertain significance for Cardiovascular phenotype. Last evaluated: 2025-09-27. Review status: criteria provided, single submitter. Criteria: Ambry Variant Classification Scheme 2023. Collection method: clinical testing. Allele origin: germline.

Labcorp Genetics (formerly Invitae), Labcorp
Classification: Uncertain significance for Myofibrillar myopathy 4. Last evaluated: 2024-09-06. Review status: criteria provided, single submitter. Criteria: Invitae Variant Classification Sherloc (09022015). Collection method: clinical testing. Allele origin: germline.
Comment: The LDB3 gene has multiple clinically relevant transcripts. This variant occurs in alternate transcript NM_007078.3, and corresponds to NM_001080116.1:c.321+1448C>T in the primary transcript. This sequence change replaces proline, which is neutral and non-polar, with leucine, which is neutral and non-polar, at codon 164 of the LDB3 protein (p.Pro164Leu). This variant is present in population databases (rs761907380, gnomAD 0.01%). This variant has not been reported in the literature in individuals affected with LDB3-related conditions. ClinVar contains an entry for this variant (Variation ID: 1298346). Experimental studies and prediction algorithms are not available or were not evaluated, and the functional significance of this variant is currently unknown. Algorithms developed to predict the effect of sequence changes on RNA splicing suggest that this variant is not likely to affect RNA splicing. In summary, the available evidence is currently insufficient to determine the role of this variant in disease. Therefore, it has been classified as a Variant of Uncertain Significance.

Breda Genetics srl
Classification: Uncertain significance for Dilated cardiomyopathy 1C. Last evaluated: 2021-04-30. Review status: criteria provided, single submitter. Criteria: ACMG Guidelines, 2015. Collection method: clinical testing. Allele origin: inherited. Inheritance: Autosomal dominant inheritance. Affected: yes. Observed: 1 variant allele, 1 heterozygote.
Comment: Based on allele frequency, in-silico prediction scores and a certain overlap with the clinical phenotype, we interpreted this variant at least as of uncertain significance. The lack of one or more of the following features has discouraged further investigations: lack of a possible second hit in autosomal recessive conditions, presence of healthy controls in databases for autosomal dominant conditions, presence of unmatching cardinal clinical features in the patient or in the known gene-disease association, and/or variant type outside the known gene mutational spectrum.